The following is an entry in ClinVar:

NM_000179.3(MSH6):c.2410A>G (p.Lys804Glu)

Gene: MSH6 (mutS homolog 6; plus strand). Cytogenetic location: 2p16.3.
Variant type: single nucleotide variant.
Coding change: c.2410A>G on transcript NM_000179.3 (MANE Select); coding-DNA position 2410, A replaced by G.
Protein change: p.Lys804Glu; replaces lysine 804 with glutamic acid.
Molecular consequence: missense variant.
Genome position (GRCh38, 1-based): chr2:47,800,393, A>G. VCF-style: chr2-47800393-A-G. GRCh37 (hg19) VCF-style: chr2-48027532-A-G.
Other names: c.2020A>G, p.Lys674Glu (NM_001281492.2); c.1504A>G, p.Lys502Glu (NM_001281493.2, NM_001281494.2); short protein forms K804E, K502E, K674E.
Identifiers: ClinVar variation 418961 (VCV000418961.26), dbSNP rs1064793552, ClinGen allele CA16617672.

ClinVar aggregate classification (germline): Conflicting classifications of pathogenicity. Review status: criteria provided, conflicting classifications (1 of 4 stars). 8 submissions from 8 submitters: Uncertain significance (7); Benign (1). Last evaluated 2026-01-26.

Conditions:
Hereditary nonpolyposis colorectal neoplasms. Identifiers: MedGen C0009405, MeSH D003123.
Hereditary cancer-predisposing syndrome. Also called: Hereditary neoplastic syndrome; Tumor predisposition; Neoplastic Syndromes, Hereditary; Hereditary Cancer Syndrome. Identifiers: Orphanet 140162, MedGen C0027672, MeSH D009386, MONDO:0015356.
Lynch syndrome 5 (LYNCH5). Also called: Hereditary non-polyposis colorectal cancer, type 5; Colorectal cancer, hereditary nonpolyposis, type 5. Identifiers: Orphanet 144, MedGen C1833477, MONDO:0013710, OMIM 614350. Disease mechanism: loss of function.
Endometrial carcinoma. Also called: Endometrial carcinoma, somatic. Identifiers: MedGen C0476089, MONDO:0002447, OMIM 608089, HP:0012114.
Lynch syndrome. Identifiers: Orphanet 144, MedGen C4552100, MONDO:0005835. Disease mechanism: loss of function.

Allele frequency attached by ClinVar (database versions not stated): gnomAD 0.00001.
gnomAD v4.1: 1 of 1,614,000 alleles (0.000062%); highest among the groups gnomAD compares: Non-Finnish European, 0.000085%; no homozygotes.

Submissions (8):

Labcorp Genetics (formerly Invitae), Labcorp
Classification: Benign for Hereditary nonpolyposis colorectal neoplasms. Last evaluated: 2026-01-26. Review status: criteria provided, single submitter. Criteria: Invitae Variant Classification Sherloc (09022015). Collection method: clinical testing. Allele origin: germline.

Color Diagnostics, LLC DBA Color Health
Classification: Uncertain significance for Hereditary cancer-predisposing syndrome. Last evaluated: 2025-11-17. Review status: criteria provided, single submitter. Criteria: ACMG Guidelines, 2015. Collection method: clinical testing. Allele origin: germline.
Comment: This missense variant replaces lysine with glutamic acid at codon 804 of the MSH6 protein. Computational prediction suggests that this variant may not impact protein structure and function. To our knowledge, functional studies have not been reported for this variant. This variant has not been reported in individuals affected with MSH6-related disorders in the literature. This variant has not been identified in the general population by the Genome Aggregation Database (gnomAD). The available evidence is insufficient to determine the role of this variant in disease conclusively. Therefore, this variant is classified as a Variant of Uncertain Significance.

Baylor Genetics
Classification: Uncertain significance for Endometrial carcinoma. Last evaluated: 2024-02-11. Review status: criteria provided, single submitter. Criteria: ACMG Guidelines, 2015. Collection method: clinical testing. Allele origin: unknown.

Ambry Genetics
Classification: Uncertain significance for Hereditary cancer-predisposing syndrome. Last evaluated: 2024-01-03. Review status: criteria provided, single submitter. Criteria: Ambry Variant Classification Scheme 2023. Collection method: clinical testing. Allele origin: germline.
Comment: The p.K804E variant (also known as c.2410A>G), located in coding exon 4 of the MSH6 gene, results from an A to G substitution at nucleotide position 2410. The lysine at codon 804 is replaced by glutamic acid, an amino acid with similar properties. This amino acid position is not well conserved in available vertebrate species. In addition, the in silico prediction for this alteration is inconclusive. Since supporting evidence is limited at this time, the clinical significance of this alteration remains unclear.

All of Us Research Program, National Institutes of Health
Classification: Uncertain significance for Lynch syndrome. Last evaluated: 2023-11-20. Review status: criteria provided, single submitter. Criteria: ACMG Guidelines, 2015. Collection method: clinical testing. Allele origin: germline. Inheritance: Autosomal dominant inheritance. Observed: 2 variant alleles, 2 heterozygotes.
Comment: This missense variant replaces lysine with glutamic acid at codon 804 of the MSH6 protein. Computational prediction suggests that this variant may not impact protein structure and function (internally defined REVEL score threshold <= 0.5, PMID: 27666373). To our knowledge, functional studies have not been reported for this variant. This variant has not been reported in individuals affected with MSH6-related disorders in the literature. This variant has not been identified in the general population by the Genome Aggregation Database (gnomAD). The available evidence is insufficient to determine the role of this variant in disease conclusively. Therefore, this variant is classified as a Variant of Uncertain Significance.

This study involves interpretation of variants in research participants for the purpose of population health screening. Participant phenotype was not available at the time of variant classification. Additional details can be found in publication PMID: 35346344, PMCID: PMC8962531

Women's Health and Genetics/Laboratory Corporation of America, LabCorp
Classification: Uncertain significance. Last evaluated: 2018-09-14. Review status: criteria provided, single submitter. Criteria: LabCorp Variant Classification Summary - May 2015. Collection method: clinical testing. Allele origin: germline.
Comment: Variant summary: MSH6 c.2410A>G (p.Lys804Glu) results in a conservative amino acid change located in the DNA mismatch repair protein MutS, core domain of the encoded protein sequence. Four of five in-silico tools predict a benign effect of the variant on protein function. The variant was absent in 245332 control chromosomes. The available data on variant occurrences in the general population are insufficient to allow any conclusion about variant significance. To our knowledge, no occurrence of c.2410A>G in individuals affected with Lynch Syndrome and no experimental evidence demonstrating its impact on protein function have been reported. Three clinical diagnostic laboratories have submitted clinical-significance assessments for this variant to ClinVar after 2014 and all classified the variant as uncertain significance. Based on the evidence outlined above, the variant was classified as uncertain significance.

Illumina Laboratory Services, Illumina
Classification: Uncertain significance for Lynch syndrome 5. Last evaluated: 2018-01-12. Review status: criteria provided, single submitter. Criteria: ICSL Variant Classification Criteria 13 December 2019. Collection method: clinical testing. Allele origin: germline.

GeneDx
Classification: Uncertain significance. Last evaluated: 2015-04-30. Review status: criteria provided, single submitter. Criteria: GeneDx Variant Classification (06012015). Collection method: clinical testing. Allele origin: germline. Affected: yes.
Comment: This variant is denoted MSH6 c.2410A>G at the cDNA level, p.Lys804Glu (K804E) at the protein level, and results in the change of a Lysine to a Glutamic Acid (AAA>GAA). This variant has not, to our knowledge, been published in the literature as pathogenic or benign. MSH6 Lys804Glu was not observed in approximately 6,500 individuals of European and African American ancestry in the NHLBI Exome Sequencing Project, indicating it is not a common benign variant in these populations. Since Lysine and Glutamic Acid differ in polarity, charge, size or other properties, this is considered a non-conservative amino acid substitution. MSH6 Lys804Glu occurs at a position that is conserved in mammals and is located in domain III of the MutS domain (Terui 2013) In silico analyses are inconsistent regarding the effect this variant may have on protein structure and function. Based on currently available information, it is unclear whether MSH6 Lys804Glu is pathogenic or benign. We consider it to be a variant of uncertain significance.